The following is an entry in ClinVar:

ClinVar aggregate classification (germline): Uncertain significance. Review status: criteria provided, multiple submitters, no conflicts (2 of 4 stars). 5 submissions from 5 submitters: Uncertain significance (5). Last evaluated 2025-06-03.

Conditions:
Xanthinuria type II. Also called: Xanthine dehydrogenase and aldehyde oxidase combined deficiency of; XDH and AOX dual deficiency. Identifiers: Orphanet 3467, Orphanet 93602, MedGen C1863688, MONDO:0011346, OMIM 603592.
MOCOS-related disorder. Also called: MOCOS-related condition.

Allele frequency attached by ClinVar (database versions not stated): gnomAD exomes 0.00002 and 0.00006; ExAC 0.00007; 1000 Genomes Project 0.00020; gnomAD 0.00026 and 0.00029; TOPMed 0.00029; 1000 Genomes Project 30x 0.00031; ESP Exome Variant Server 0.00038.
gnomAD v4.1: 76 of 1,614,120 alleles (0.0047%); highest among the groups gnomAD compares: African/African-American, 0.097%; no homozygotes.

Submissions (5):

GeneDx
Classification: Uncertain significance. Last evaluated: 2025-06-03. Review status: criteria provided, single submitter. Criteria: GeneDx Variant Classification Process June 2021. Collection method: clinical testing. Allele origin: germline. Affected: yes.
Comment: In silico analysis supports that this missense variant has a deleterious effect on protein structure/function; Has not been previously published as pathogenic or benign to our knowledge

PreventionGenetics, part of Exact Sciences
Classification: Uncertain significance for MOCOS-related condition. Last evaluated: 2024-11-22. Review status: criteria provided, single submitter. Criteria: ACMG Guidelines, 2015. Collection method: clinical testing. Allele origin: germline.
Comment: The MOCOS c.790A>G variant is predicted to result in the amino acid substitution p.Lys264Glu. To our knowledge, this variant has not been reported in the literature. This variant is reported in 0.10% of alleles in individuals of African descent in gnomAD. Although we suspect that this variant may be benign, at this time, the clinical significance of this variant is uncertain due to the absence of conclusive functional and genetic evidence.

Fulgent Genetics
Classification: Uncertain significance for Xanthinuria type II. Last evaluated: 2024-05-09. Review status: criteria provided, single submitter. Criteria: ACMG Guidelines, 2015. Collection method: clinical testing. Allele origin: germline.

Ambry Genetics
Classification: Uncertain significance. Last evaluated: 2024-04-29. Review status: criteria provided, single submitter. Criteria: Ambry Variant Classification Scheme 2023. Collection method: clinical testing. Allele origin: germline.

Labcorp Genetics (formerly Invitae), Labcorp
Classification: Uncertain significance for Xanthinuria type II. Last evaluated: 2021-08-31. Review status: criteria provided, single submitter. Criteria: Invitae Variant Classification Sherloc (09022015). Collection method: clinical testing. Allele origin: germline.
Comment: This sequence change replaces lysine with glutamic acid at codon 264 of the MOCOS protein (p.Lys264Glu). The lysine residue is highly conserved and there is a small physicochemical difference between lysine and glutamic acid. This variant is present in population databases (rs148137052, ExAC 0.09%). This variant has not been reported in the literature in individuals affected with MOCOS-related conditions. Algorithms developed to predict the effect of missense changes on protein structure and function are either unavailable or do not agree on the potential impact of this missense change (SIFT: "Deleterious"; PolyPhen-2: "Probably Damaging"; Align-GVGD: "Class C0"). In summary, the available evidence is currently insufficient to determine the role of this variant in disease. Therefore, it has been classified as a Variant of Uncertain Significance.

NM_017947.4(MOCOS):c.790A>G (p.Lys264Glu)

Gene: MOCOS (molybdenum cofactor sulfurase; plus strand). Cytogenetic location: 18q12.2.
Variant type: single nucleotide variant.
Coding change: c.790A>G on transcript NM_017947.4 (MANE Select); coding-DNA position 790, A replaced by G.
Protein change: p.Lys264Glu; replaces lysine 264 with glutamic acid.
Molecular consequence: missense variant.
Genome position (GRCh38, 1-based): chr18:36,200,173, A>G. VCF-style: chr18-36200173-A-G. GRCh37 (hg19) VCF-style: chr18-33780136-A-G.
Other names: short protein forms K264E.
Identifiers: ClinVar variation 656034 (VCV000656034.11), dbSNP rs148137052, ClinGen allele CA8940508.